The following is an entry in ClinVar:

NM_001374353.1(GLI2):c.1046G>A (p.Ser349Asn)

Gene: GLI2 (GLI family zinc finger 2; plus strand). Cytogenetic location: 2q14.2.
Variant type: single nucleotide variant.
Coding change: c.1046G>A on transcript NM_001374353.1 (MANE Select); coding-DNA position 1046, G replaced by A.
Protein change: p.Ser349Asn; replaces serine 349 with asparagine.
Molecular consequence: missense variant.
Genome position (GRCh38, 1-based): chr2:120,970,593, G>A. VCF-style: chr2-120970593-G-A. GRCh37 (hg19) VCF-style: chr2-121728169-G-A.
Other names: c.1046G>A, p.Ser349Asn (NM_001371271.1, NM_005270.5); c.671G>A, p.Ser224Asn (NM_001374354.1); short protein forms S224N, S349N.
Identifiers: ClinVar variation 2505597 (VCV002505597.1), dbSNP rs2467693925, ClinGen allele CA348168710.

ClinVar aggregate classification (germline): Uncertain significance (1 of 4 stars; one submission).

Submission:

GeneDx
Classification: Uncertain significance. Last evaluated: 2022-12-16. Review status: criteria provided, single submitter. Criteria: GeneDx Variant Classification Process June 2021. Collection method: clinical testing. Allele origin: germline. Affected: yes.
Comment: Not observed at significant frequency in large population cohorts (gnomAD); In silico analysis supports that this missense variant does not alter protein structure/function; Has not been previously published as pathogenic or benign to our knowledge